The following is an entry in ClinVar:

ClinVar aggregate classification (germline): Uncertain significance. Review status: criteria provided, multiple submitters, no conflicts (2 of 4 stars). 2 submissions from 2 submitters: Uncertain significance (2). Last evaluated 2025-03-04.

Submissions (2):

GeneDx
Classification: Uncertain significance. Last evaluated: 2025-03-04. Review status: criteria provided, single submitter. Criteria: GeneDx Variant Classification Process June 2021. Collection method: clinical testing. Allele origin: germline. Affected: yes.
Comment: Not observed at significant frequency in large population cohorts (gnomAD); In silico analysis indicates that this missense variant does not alter protein structure/function; Has not been previously published as pathogenic or benign to our knowledge

Labcorp Genetics (formerly Invitae), Labcorp
Classification: Uncertain significance. Last evaluated: 2022-06-22. Review status: criteria provided, single submitter. Criteria: Invitae Variant Classification Sherloc (09022015). Collection method: clinical testing. Allele origin: germline.
Comment: In summary, the available evidence is currently insufficient to determine the role of this variant in disease. Therefore, it has been classified as a Variant of Uncertain Significance. Algorithms developed to predict the effect of missense changes on protein structure and function (SIFT, PolyPhen-2, Align-GVGD) all suggest that this variant is likely to be tolerated. This variant has not been reported in the literature in individuals affected with CLCN4-related conditions. This variant is not present in population databases (gnomAD no frequency). This sequence change replaces serine, which is neutral and polar, with alanine, which is neutral and non-polar, at codon 143 of the CLCN4 protein (p.Ser143Ala).

NM_001830.4(CLCN4):c.427T>G (p.Ser143Ala)

Gene: CLCN4 (chloride voltage-gated channel 4; plus strand). Cytogenetic location: Xp22.2.
Variant type: single nucleotide variant.
Coding change: c.427T>G on transcript NM_001830.4 (MANE Select); coding-DNA position 427, T replaced by G.
Protein change: p.Ser143Ala; replaces serine 143 with alanine.
Molecular consequence: missense variant.
Genome position (GRCh38, 1-based): chrX:10,195,093, T>G. VCF-style: chrX-10195093-T-G. GRCh37 (hg19) VCF-style: chrX-10163133-T-G.
Other names: c.427T>G (NM_001830.3); c.145T>G, p.Ser49Ala (NM_001256944.2); short protein forms S143A, S49A.
Identifiers: ClinVar variation 2126956 (VCV002126956.5), dbSNP rs2518877949, ClinGen allele CA412034415.